The following is an entry in ClinVar:

NM_015425.6(POLR1A):c.1611+11_1611+12delinsCT

Gene: POLR1A (RNA polymerase I subunit A; minus strand). Cytogenetic location: 2p11.2.
Variant type: Indel.
Coding change: c.1611+11_1611+12delinsCT on transcript NM_015425.6 (MANE Select); bases 11 to 12 of the intron after coding-DNA position 1611, GC replaced by CT.
Molecular consequence: intron variant.
Genome position (GRCh38, 1-based): chr2:86,075,018-86,075,019, GC replaced by AG on the plus strand (GC replaced by CT on the coding strand, the reverse complement: POLR1A is on the minus strand). VCF-style: chr2-86075018-GC-AG. GRCh37 (hg19) VCF-style: chr2-86302141-GC-AG.
Identifiers: ClinVar variation 4709395 (VCV004709395.1).
Genomic context (GRCh38, chr2:86,075,018, plus strand): 5'-CCTGATGGCCACCAATCACCAGAATCCGAACAGGAGCCGGATGGGTCCCTGACCAAAGCT[GC>AG]CCTTACTCACAATTTTTGTCCCCTGGGGCTTAGGTGCCCCCGTGGCTGGGGTCAGAAGCT-3'

ClinVar aggregate classification (germline): Uncertain significance (1 of 4 stars; one submission).

Submission:

Labcorp Genetics (formerly Invitae), Labcorp
Classification: Uncertain significance. Last evaluated: 2025-03-07. Review status: criteria provided, single submitter. Criteria: Invitae Variant Classification Sherloc (09022015). Collection method: clinical testing. Allele origin: germline.
Comment: This sequence change falls in intron 12 of the POLR1A gene. It does not directly change the encoded amino acid sequence of the POLR1A protein. Information on the frequency of this variant in the gnomAD database is not available, as this variant may be reported differently in the database. This variant has not been reported in the literature in individuals affected with POLR1A-related conditions. Experimental studies and prediction algorithms are not available or were not evaluated, and the effect of this variant on mRNA splicing is currently unknown. In summary, the available evidence is currently insufficient to determine the role of this variant in disease. Therefore, it has been classified as a Variant of Uncertain Significance.